The following is an entry in ClinVar:

NM_000059.4(BRCA2):c.4594_4599del (p.Val1532_Lys1533del)

Gene: BRCA2 (BRCA2 DNA repair associated; plus strand). Cytogenetic location: 13q13.1.
Variant type: Deletion.
Coding change: c.4594_4599del on transcript NM_000059.4 (MANE Select); coding-DNA positions 4594 to 4599, 6 bases deleted (GTTAAA; older notation c.4594_4599delGTTAAA).
Protein change: p.Val1532_Lys1533del.
Molecular consequence: inframe deletion. On other transcripts: non-coding transcript variant (1), intron variant (2).
Genome position (GRCh38, 1-based): chr13:32,338,949-32,338,954, GTTAAA deleted; deleting any 6 consecutive bases within chr13:32,338,946-32,338,954 gives the same sequence; the c. name uses the placement nearest the transcript's 3' end. VCF-style (leftmost placement, unchanged base first): chr13-32338945-AAAAGTT-A. GRCh37 (hg19) VCF-style: chr13-32913082-AAAAGTT-A.
Other names: c.4594_4599del, p.Val1532_Lys1533del (NM_001406719.1, NM_001406720.1); c.1909+5562_1909+5567del (NM_001406721.1); c.425-5609_425-5604del (NM_001406722.1).
Identifiers: ClinVar variation 2848003 (VCV002848003.4), dbSNP rs2548528786, ClinGen allele CA2739277587.

ClinVar aggregate classification (germline): Uncertain significance. Review status: criteria provided, multiple submitters, no conflicts (2 of 4 stars). 2 submissions from 2 submitters: Uncertain significance (2). Last evaluated 2025-07-02.

Conditions:
Hereditary breast ovarian cancer syndrome. Also called: Hereditary breast and ovarian cancer syndrome (HBOC); Hereditary breast and ovarian cancer syndrome; Breast and ovarian cancer; BRCA1- and BRCA2-Associated Hereditary Breast and Ovarian Cancer; Hereditary breast and ovarian cancer; Hereditary breast and/or ovarian cancer syndrome. Identifiers: Orphanet 145, MedGen C0677776, MeSH D061325, MONDO:0003582. Disease mechanism: loss of function.
Hereditary cancer-predisposing syndrome. Also called: Neoplastic Syndromes, Hereditary; Hereditary Cancer Syndrome; Tumor predisposition; Hereditary neoplastic syndrome. Identifiers: Orphanet 140162, MedGen C0027672, MeSH D009386, MONDO:0015356.

Submissions (2):

Ambry Genetics
Classification: Uncertain significance for Hereditary cancer-predisposing syndrome. Last evaluated: 2025-07-02. Review status: criteria provided, single submitter. Criteria: Ambry Variant Classification Scheme 2023. Collection method: clinical testing. Allele origin: germline.
Comment: The c.4594_4599delGTTAAA variant (also known as p.V1532_K1533del) is located in coding exon 10 of the BRCA2 gene. This variant results from an in-frame GTTAAA deletion at nucleotide positions 4594 to 4599. This results in the in-frame deletion of two amino acids (VK) at codons 1532 to 1533. This amino acid region is not well conserved in available vertebrate species. In addition, this variant is predicted to be deleterious by in silico analysis (Choi Y et al. PLoS ONE. 2012; 7(10):e46688). Based on the available evidence, the clinical significance of this variant remains unclear.

Labcorp Genetics (formerly Invitae), Labcorp
Classification: Uncertain significance for Hereditary breast ovarian cancer syndrome. Last evaluated: 2023-03-21. Review status: criteria provided, single submitter. Criteria: Invitae Variant Classification Sherloc (09022015). Collection method: clinical testing. Allele origin: germline.
Comment: This variant, c.4594_4599del, results in the deletion of 2 amino acid(s) of the BRCA2 protein (p.Val1532_Lys1533del), but otherwise preserves the integrity of the reading frame. This variant is not present in population databases (gnomAD no frequency). This variant has not been reported in the literature in individuals affected with BRCA2-related conditions. Experimental studies and prediction algorithms are not available or were not evaluated, and the functional significance of this variant is currently unknown. In summary, the available evidence is currently insufficient to determine the role of this variant in disease. Therefore, it has been classified as a Variant of Uncertain Significance.